The following is an entry in ClinVar:

ClinVar aggregate classification (germline): Uncertain significance (1 of 4 stars; one submission).

Conditions:
Radioulnar synostosis with amegakaryocytic thrombocytopenia 1 (RUSAT1). Also called: THROMBOCYTOPENIA, CONGENITAL, WITH RADIOULNAR SYNOSTOSIS. Identifiers: Orphanet 71289, MedGen C4551975, MONDO:0024558, OMIM 605432.

Submission:

Neuberg Centre For Genomic Medicine, NCGM
Classification: Uncertain significance for Radioulnar synostosis with amegakaryocytic thrombocytopenia 1. Last evaluated: 2023-02-14. Review status: criteria provided, single submitter. Criteria: ACMG Guidelines, 2015. Collection method: clinical testing. Allele origin: germline. Inheritance: Autosomal dominant inheritance. Affected: yes.
Comment: The missense c.451C>A (p.Pro151Thr) variant in the HOXA11 gene has not been reported previously as a pathogenic variant nor as a benign variant, to our knowledge. The variant is novel (not in any individuals) in gnomAD Exomes and 1000 Genomes. The amino acid Proline at position 151 is changed to a Threonine changing protein sequence and it might alter its composition and physico-chemical properties. The amino acid change p.Pro151Thr in HOXA11 is predicted as conserved by GERP++ and PhyloP across 100 vertebrates. For these reasons, this variant has been classified as Uncertain Significance.

NM_005523.6(HOXA11):c.451C>A (p.Pro151Thr)

Genes: HOXA11 (homeobox A11; minus strand), LOC107126281 (NUP98-HOXA11 recombination region; plus strand). Cytogenetic location: 7p15.2.
Variant type: single nucleotide variant.
Coding change: c.451C>A on transcript NM_005523.6 (MANE Select); coding-DNA position 451, C replaced by A.
Protein change: p.Pro151Thr; replaces proline 151 with threonine.
Molecular consequence: missense variant.
Genome position (GRCh38, 1-based): chr7:27,184,694, G>T on the plus strand (C>A on the coding strand, the complement: HOXA11 is on the minus strand). VCF-style: chr7-27184694-G-T. GRCh37 (hg19) VCF-style: chr7-27224313-G-T.
Other names: short protein forms P151T.
Identifiers: ClinVar variation 2671724 (VCV002671724.1), dbSNP rs1783832681, ClinGen allele CA367106842.